The following is an entry in ClinVar:

NM_001267550.2(TTN):c.6181A>T (p.Ile2061Phe)

Gene: TTN (titin; minus strand). Cytogenetic location: 2q31.2.
Variant type: single nucleotide variant.
Coding change: c.6181A>T on transcript NM_001267550.2 (MANE Select); coding-DNA position 6181, A replaced by T.
Protein change: p.Ile2061Phe; replaces isoleucine 2061 with phenylalanine.
Molecular consequence: missense variant.
Genome position (GRCh38, 1-based): chr2:178,775,683, T>A on the plus strand (A>T on the coding strand, the complement: TTN is on the minus strand). VCF-style: chr2-178775683-T-A. GRCh37 (hg19) VCF-style: chr2-179640410-T-A.
Other names: c.6181A>T, p.Ile2061Phe (NM_001256850.1, NM_133378.4, NM_133379.5); c.6043A>T, p.Ile2015Phe (NM_003319.4, NM_133432.3, NM_133437.4); short protein forms I2061F, I2015F.
Identifiers: ClinVar variation 1751246 (VCV001751246.2), dbSNP rs772045763, ClinGen allele CA2005089.

ClinVar aggregate classification (germline): Uncertain significance (1 of 4 stars; one submission).

Conditions:
Cardiovascular phenotype. Identifiers: MedGen CN230736.

Allele frequency attached by ClinVar (database versions not stated): gnomAD exomes below 0.00001; ExAC 0.00001; TOPMed 0.00003; gnomAD 0.00004.
gnomAD v4.1: 10 of 1,614,034 alleles (0.00062%); highest among the groups gnomAD compares: African/African-American, 0.008%; no homozygotes.

Submission:

Ambry Genetics
Classification: Uncertain significance for Cardiovascular phenotype. Last evaluated: 2020-08-25. Review status: criteria provided, single submitter. Criteria: Ambry Variant Classification Scheme 2023. Collection method: clinical testing. Allele origin: germline.
Comment: The p.I2015F variant (also known as c.6043A>T), located in coding exon 26 of the TTN gene, results from an A to T substitution at nucleotide position 6043. The isoleucine at codon 2015 is replaced by phenylalanine, an amino acid with highly similar properties. This amino acid position is highly conserved in available vertebrate species. In addition, the in silico prediction for this alteration is inconclusive. Since supporting evidence is limited at this time, the clinical significance of this alteration remains unclear.